The following is an entry in ClinVar:

ClinVar aggregate classification (germline): Likely benign (1 of 4 stars; one submission).

Submission:

CeGaT Center for Human Genetics Tuebingen
Classification: Likely benign. Last evaluated: 2026-09-01. Review status: criteria provided, single submitter. Criteria: CeGaT Center For Human Genetics Tuebingen Variant Classification Criteria Version 2. Collection method: clinical testing. Allele origin: germline. Affected: yes. Observed: 1 variant allele.
Comment: RPL26L1: PM2:Supporting, BP4, BP7

NM_016093.4(RPL26L1):c.252G>T (p.Arg84=)

Gene: RPL26L1 (ribosomal protein L26 like 1; plus strand). Cytogenetic location: 5q35.1.
Variant type: single nucleotide variant.
Coding change: c.252G>T on transcript NM_016093.4 (MANE Select); coding-DNA position 252, G replaced by T.
Protein change: p.Arg84=; no amino-acid change (arginine 84 retained).
Molecular consequence: synonymous variant.
Genome position (GRCh38, 1-based): chr5:172,968,542, G>T. VCF-style: chr5-172968542-G-T. GRCh37 (hg19) VCF-style: chr5-172395545-G-T.
Other names: c.252G>T, p.Arg84= (NM_001317980.2, NM_001317981.2, NM_001317982.2).
Identifiers: ClinVar variation 5041616 (VCV005041616.1).